The following is an entry in ClinVar:

NM_181712.5(KANK4):c.17C>T (p.Ala6Val)

Gene: KANK4 (KN motif and ankyrin repeat domains 4; minus strand). Cytogenetic location: 1p31.3.
Variant type: single nucleotide variant.
Coding change: c.17C>T on transcript NM_181712.5 (MANE Select); coding-DNA position 17, C replaced by T.
Protein change: p.Ala6Val; replaces alanine 6 with valine.
Molecular consequence: missense variant. On other transcripts: intron variant (1).
Genome position (GRCh38, 1-based): chr1:62,275,087, G>A on the plus strand (C>T on the coding strand, the complement: KANK4 is on the minus strand). VCF-style: chr1-62275087-G-A. GRCh37 (hg19) VCF-style: chr1-62740759-G-A.
Other names: c.17-3498C>T (NM_001320269.2); short protein forms A6V.
Identifiers: ClinVar variation 4690646 (VCV004690646.1).
Genomic context (GRCh38, chr1:62,275,087, plus strand): 5'-GAATAAGGGTGGCTCTTCGGAGGGTCTTTCTCTTCATCCCCCTGAGAGGACTGGTCTTTG[G>A]CTGGGAGACATAAGACAAGTTAAAAAAAAAAAGCACAAATTTAATTAAGCATTACAGGGC-3'
Protein context (NP_859063.3, residues 1-16): MEKTD[Ala6Val]KDQSSQGDEE

ClinVar aggregate classification (germline): Uncertain significance (1 of 4 stars; one submission).

gnomAD v4.1: 15 of 1,587,858 alleles (0.00094%); highest among the groups gnomAD compares: East Asian, 0.0022%; no homozygotes.

Submission:

Labcorp Genetics (formerly Invitae), Labcorp
Classification: Uncertain significance. Last evaluated: 2025-07-13. Review status: criteria provided, single submitter. Criteria: Invitae Variant Classification Sherloc (09022015). Collection method: clinical testing. Allele origin: germline.
Comment: This sequence change replaces alanine, which is neutral and non-polar, with valine, which is neutral and non-polar, at codon 6 of the KANK4 protein (p.Ala6Val). This variant is present in population databases (rs373936260, gnomAD 0.001%). This variant has not been reported in the literature in individuals affected with KANK4-related conditions. An algorithm developed to predict the effect of missense changes on protein structure and function (PolyPhen-2) suggests that this variant is likely to be tolerated. In summary, the available evidence is currently insufficient to determine the role of this variant in disease. Therefore, it has been classified as a Variant of Uncertain Significance.